The following is an entry in ClinVar:

NM_001018115.3(FANCD2):c.1278+15C>T

Genes: FANCD2 (FA complementation group D2; plus strand), LOC107303338 (3p25 FANCD2 Alu-mediated recombination region; plus strand). Cytogenetic location: 3p25.3.
Variant type: single nucleotide variant.
Coding change: c.1278+15C>T on transcript NM_001018115.3 (MANE Select); 15 bases into the intron after coding-DNA position 1278, C replaced by T.
Molecular consequence: intron variant.
Genome position (GRCh38, 1-based): chr3:10,046,738, C>T. VCF-style: chr3-10046738-C-T. GRCh37 (hg19) VCF-style: chr3-10088422-C-T.
Other names: c.1278+15C>T (NM_001319984.2, NM_001374253.1, NM_033084.6 and 1 more transcripts).
Identifiers: ClinVar variation 903610 (VCV000903610.5), dbSNP rs144167368, ClinGen allele CA2249577.
Genomic context (GRCh38, chr3:10,046,738, plus strand): 5'-CATTCAAGAACAGCTGCTCCAGAGTACATTCTCTGTTCATTACTTAGTAAGTGTCAGAGA[C>T]TATTGATTTTTAATCTAAAACAGAAAGCTTTACAGCTCTCATGTAAAATTTCATCTTATT-3'

ClinVar aggregate classification (germline): Benign. Review status: criteria provided, multiple submitters, no conflicts (2 of 4 stars). 2 submissions from 2 submitters: Benign (2). Last evaluated 2026-03-23.

Conditions:
Fanconi anemia complementation group D2. Also called: FANCD2-Related Fanconi Anemia; FANCONI PANCYTOPENIA, TYPE 4; FANCONI ANEMIA, COMPLEMENTATION GROUP D. Identifiers: Orphanet 84, MedGen C3160738, MONDO:0009214, OMIM 227646.

Allele frequency attached by ClinVar (database versions not stated): ExAC 0.03577.

Submissions (2):

Women's Health and Genetics/Laboratory Corporation of America, LabCorp
Classification: Benign. Last evaluated: 2026-03-23. Review status: criteria provided, single submitter. Criteria: LabCorp Variant Classification Summary - May 2015. Collection method: clinical testing. Allele origin: germline.
Comment: Variant summary: FANCD2 c.1278+15C>T alters a nucleotide located at a position not widely known to affect splicing. Consensus agreement among computation tools predict no significant impact on normal splicing. However, these predictions have yet to be confirmed by functional studies. The frequency data for this variant in gnomAD is considered unreliable, as metrics indicate poor data quality at this position. However, data indicates that variant occurs at a frequency of >0.30 in at least one subpopulation. To our knowledge, no occurrence of c.1278+15C>T in individuals affected with FANCD2-related conditions and no experimental evidence demonstrating its impact on protein function have been reported. ClinVar contains an entry for this variant (Variation ID: 903610). Based on the evidence outlined above, the variant was classified as benign.

Illumina Laboratory Services, Illumina
Classification: Benign for Fanconi anemia complementation group D2. Last evaluated: 2018-01-13. Review status: criteria provided, single submitter. Criteria: ICSL Variant Classification Criteria 13 December 2019. Collection method: clinical testing. Allele origin: germline.
Comment: This variant was observed in the ICSL laboratory as part of a predisposition screen in an ostensibly healthy population. It had not been previously curated by ICSL or reported in the Human Gene Mutation Database (HGMD: prior to June 1st, 2018), and was therefore a candidate for classification through an automated scoring system. Utilizing variant allele frequency, disease prevalence and penetrance estimates, and inheritance mode, an automated score was calculated to assess if this variant is too frequent to cause the disease. Based on the score and internal cut-off values, a variant classified as benign is not then subjected to further curation. The score for this variant resulted in a classification of benign for this disease.